The following is an entry in ClinVar:

NM_001378454.1(ALMS1):c.11407C>T (p.Pro3803Ser)

Gene: ALMS1 (ALMS1 centrosome and basal body associated protein; plus strand). Cytogenetic location: 2p13.1.
Variant type: single nucleotide variant.
Coding change: c.11407C>T on transcript NM_001378454.1 (MANE Select); coding-DNA position 11407, C replaced by T.
Protein change: p.Pro3803Ser; replaces proline 3803 with serine.
Molecular consequence: missense variant.
Genome position (GRCh38, 1-based): chr2:73,573,284, C>T. VCF-style: chr2-73573284-C-T. GRCh37 (hg19) VCF-style: chr2-73800411-C-T.
Other names: c.11410C>T, p.Pro3804Ser (NM_015120.4); short protein forms P3804S, P3803S.
Identifiers: ClinVar variation 412661 (VCV000412661.30), dbSNP rs189032342, ClinGen allele CA1715185.
Genomic context (GRCh38, chr2:73,573,284, plus strand): 5'-TCCACTATTGACACTGCCCGGCTGATTCAAGCTTTTGGCCATGAAAGAGTATGCTTGTCA[C>T]CCAGACGAATTAAATTATATAGCAGCATCACCAACCAACAGAGGAGATACCTTGAGAAGC-3'
Protein context (NP_001365383.1, residues 3793-3813): AFGHERVCLS[Pro3803Ser]RRIKLYSSIT

ClinVar aggregate classification (germline): Conflicting classifications of pathogenicity. Review status: criteria provided, conflicting classifications (1 of 4 stars). 10 submissions from 10 submitters: Uncertain significance (1); Uncertain risk allele (1); Likely benign (5). 3 of the submissions do not count toward it. Last evaluated 2026-02-02.

Conditions:
Cardiovascular phenotype. Identifiers: MedGen CN230736.
Monogenic diabetes. Identifiers: Orphanet 183625, MedGen C3888631, MONDO:0015967.
ALMS1-related disorder. Also called: ALMS1-related condition.
Alstrom syndrome (ALMS). Identifiers: Orphanet 64, MedGen C0268425, MONDO:0008763, OMIM 203800.

Allele frequency attached by ClinVar (database versions not stated): gnomAD exomes 0.00009 and 0.00024; ExAC 0.00028; 1000 Genomes Project 30x 0.00031; 1000 Genomes Project 0.00040; gnomAD 0.00086 and 0.00097; TOPMed 0.00107; ESP Exome Variant Server 0.00123.
gnomAD v4.1: 271 of 1,614,072 alleles (0.017%); highest among the groups gnomAD compares: African/African-American, 0.31%; no homozygotes.

Submissions (10):

Labcorp Genetics (formerly Invitae), Labcorp
Classification: Likely benign for Alstrom syndrome. Last evaluated: 2026-02-02. Review status: criteria provided, single submitter. Criteria: Invitae Variant Classification Sherloc (09022015). Collection method: clinical testing. Allele origin: germline.

GeneDx
Classification: Uncertain significance. Last evaluated: 2025-07-12. Review status: criteria provided, single submitter. Criteria: GeneDx Variant Classification Process June 2021. Collection method: clinical testing. Allele origin: germline. Affected: yes.
Comment: Has not been previously published as pathogenic or benign to our knowledge; In silico analysis supports that this missense variant has a deleterious effect on protein structure/function

Blueprint Genetics
Classification: Likely benign. Last evaluated: 2024-11-26. Review status: criteria provided, single submitter. Criteria: ACMG Guidelines, 2015. Collection method: clinical testing. Allele origin: germline.

Women's Health and Genetics/Laboratory Corporation of America, LabCorp
Classification: Likely benign. Last evaluated: 2022-09-26. Review status: criteria provided, single submitter. Criteria: LabCorp Variant Classification Summary - May 2015. Collection method: clinical testing. Allele origin: germline.
Comment: Variant summary: ALMS1 c.11404C>T (p.Pro3802Ser) (also referred to as c.11410C>T in RefSeq, p.Pro3804Ser) results in a non-conservative amino acid change located in the Alstrom syndrome protein 1 domain (IPR028781) of the encoded protein sequence. Three of five in-silico tools predict a damaging effect of the variant on protein function. The variant allele was found at a frequency of 0.00024 in 248974 control chromosomes, predominantly at a frequency of 0.0033 within the African or African-American subpopulation in the gnomAD database. The observed variant frequency within African or African-American control individuals in the gnomAD database is approximately 2 fold of the estimated maximal predicted allele frequency for a pathogenic variant in ALMS1 causing Alstrom Syndrome With Dilated Cardiomyopathy phenotype (0.0018), strongly suggesting that the variant is a benign polymorphism found primarily in populations of African or African-American origin. To our knowledge, no occurrence of c.11404C>T in individuals affected with Alstrom Syndrome With Dilated Cardiomyopathy and no experimental evidence demonstrating its impact on protein function have been reported. Three clinical diagnostic laboratories have submitted clinical-significance assessments for this variant to ClinVar after 2014 and classified the variant as likely benign (n=2) and VUS (n=1). Based on the evidence outlined above, the variant was classified as likely benign.

Ambry Genetics
Classification: Likely benign for Cardiovascular phenotype. Last evaluated: 2021-03-09. Review status: criteria provided, single submitter. Criteria: Ambry Variant Classification Scheme 2023. Collection method: clinical testing. Allele origin: germline.

Personalized Diabetes Medicine Program, University of Maryland School of Medicine
Classification: Likely benign for Monogenic diabetes. Last evaluated: 2018-12-21. Review status: criteria provided, single submitter. Criteria: ACMG Guidelines, 2015. Collection method: research. Allele origin: unknown. Observed: 1 variant allele, 1 heterozygote.
Comment: ACMG criteria: BP1 + BS1 (0.3% MAF in gnomAD Africans) = likely benign (REVEL 0.161 + PP3/5 predictors + BP4/4 predictors = conflicting evidence, not using)

Clinical Genomics, Uppaluri K&H Personalized Medicine Clinic
Classification: Uncertain risk allele for Alstrom syndrome. Review status: criteria provided, single submitter. Criteria: K & H Uppaluri Personalized Medicine Clinic Variant Classification & Assertion Criteria_Updated V.1. Collection method: research. Allele origin: unknown. Inheritance: Autosomal recessive inheritance.
Comment: Potent mutations in ALMS1 are associated with a rare condition called Alstrom syndrome. It can cause excessive eating, insulin resistance. However, no evidence is found to ascertain the role of rs189032342 in Alstrom syndrome yet.

PreventionGenetics, part of Exact Sciences
Classification: Pathogenic for ALMS1-related condition. Last evaluated: 2024-07-29. Review status: no assertion criteria provided. Collection method: clinical testing. Allele origin: germline. Not counted in ClinVar's aggregate classification.
Comment: The ALMS1 c.11410C>T variant is predicted to result in premature protein termination (p.Arg3804*). This variant, also noted as c.11416C>T (p.Arg3806*), has been reported in individuals with Alström syndrome and Leber congenital amaurosis (Bond et al. 2005. PubMed ID: 15689433; Wang et al. 2013. PubMed ID: 23847139; Etheridge et al. 2020. PubMed ID: 32944671). This variant is reported in 0.0083% of alleles in individuals of African descent in gnomAD. Nonsense variants in ALMS1 are expected to be pathogenic. This variant is interpreted as pathogenic.

Clinical Genetics, Academic Medical Center
Classification: Likely benign. Review status: no assertion criteria provided. Collection method: clinical testing. Allele origin: germline. Affected: yes. Study: VKGL Data-share Consensus. Not counted in ClinVar's aggregate classification.

Laboratory of Diagnostic Genome Analysis, Leiden University Medical Center (LUMC)
Classification: Likely benign. Review status: no assertion criteria provided. Collection method: clinical testing. Allele origin: germline. Affected: yes. Study: VKGL Data-share Consensus. Not counted in ClinVar's aggregate classification.

Literature cited by the submitters: PubMed 34148947 (cited by Clinical Genomics, Uppaluri K&H Personalized Medicine Clinic); PubMed 25846608 (cited by Clinical Genomics, Uppaluri K&H Personalized Medicine Clinic); PubMed 30421101 (cited by Clinical Genomics, Uppaluri K&H Personalized Medicine Clinic); PubMed 33669459 (cited by Clinical Genomics, Uppaluri K&H Personalized Medicine Clinic).